The following is an entry in ClinVar:

NM_024334.3(TMEM43):c.841G>A (p.Asp281Asn)

Gene: TMEM43 (transmembrane protein 43; plus strand). Cytogenetic location: 3p25.1.
Variant type: single nucleotide variant.
Coding change: c.841G>A on transcript NM_024334.3 (MANE Select); coding-DNA position 841, G replaced by A.
Protein change: p.Asp281Asn; replaces aspartic acid 281 with asparagine.
Molecular consequence: missense variant.
Genome position (GRCh38, 1-based): chr3:14,135,867, G>A. VCF-style: chr3-14135867-G-A. GRCh37 (hg19) VCF-style: chr3-14177367-G-A.
Other names: c.844G>A, p.Asp282Asn (NM_001407274.1); c.838G>A, p.Asp280Asn (NM_001407275.1, NM_001407277.1); c.841G>A, p.Asp281Asn (NM_001407276.1); c.826G>A, p.Asp276Asn (NM_001407278.1); c.766G>A, p.Asp256Asn (NM_001407279.1); c.691G>A, p.Asp231Asn (NM_001407280.1); short protein forms D231N, D281N, D280N, D282N, D256N, D276N.
Identifiers: ClinVar variation 2189587 (VCV002189587.4), dbSNP rs1695162692, ClinGen allele CA351535979.

ClinVar aggregate classification (germline): Uncertain significance (1 of 4 stars; one submission).

Conditions:
Arrhythmogenic right ventricular dysplasia 5. Also called: Arrhythmogenic Right Ventricular Dysplasia/Cardiomyopathy 5; ARRHYTHMOGENIC RIGHT VENTRICULAR DYSPLASIA, FAMILIAL, 5. Identifiers: MedGen C1858379, MONDO:0011459, OMIM 604400.

Allele frequency attached by ClinVar (database versions not stated): TOPMed below 0.00001.

Submission:

Labcorp Genetics (formerly Invitae), Labcorp
Classification: Uncertain significance for Arrhythmogenic right ventricular dysplasia 5. Last evaluated: 2022-04-07. Review status: criteria provided, single submitter. Criteria: Invitae Variant Classification Sherloc (09022015). Collection method: clinical testing. Allele origin: germline.
Comment: This sequence change replaces aspartic acid, which is acidic and polar, with asparagine, which is neutral and polar, at codon 281 of the TMEM43 protein (p.Asp281Asn). This variant is not present in population databases (gnomAD no frequency). This variant has not been reported in the literature in individuals affected with TMEM43-related conditions. Algorithms developed to predict the effect of missense changes on protein structure and function (SIFT, PolyPhen-2, Align-GVGD) all suggest that this variant is likely to be tolerated. In summary, the available evidence is currently insufficient to determine the role of this variant in disease. Therefore, it has been classified as a Variant of Uncertain Significance.